The following is an entry in ClinVar:

ClinVar aggregate classification (germline): Likely benign (0 of 4 stars; one submission).

Conditions:
DNAH17-related disorder. Also called: DNAH17-related condition.

Allele frequency attached by ClinVar (database versions not stated): gnomAD exomes 0.00001; ExAC 0.00002; TOPMed 0.00012; gnomAD 0.00013; ESP Exome Variant Server 0.00023.
gnomAD v4.1: 34 of 1,613,778 alleles (0.0021%); highest among the groups gnomAD compares: African/African-American, 0.04%; no homozygotes.

Submission:

PreventionGenetics, part of Exact Sciences
Classification: Likely benign for DNAH17-related condition. Last evaluated: 2019-05-31. Review status: no assertion criteria provided. Collection method: clinical testing. Allele origin: germline.
Comment: This variant is classified as likely benign based on ACMG/AMP sequence variant interpretation guidelines (Richards et al. 2015 PMID: 25741868, with internal and published modifications).

NM_173628.4(DNAH17):c.10908G>A (p.Glu3636=)

Gene: DNAH17 (dynein axonemal heavy chain 17; minus strand). Cytogenetic location: 17q25.3.
Variant type: single nucleotide variant.
Coding change: c.10908G>A on transcript NM_173628.4 (MANE Select); coding-DNA position 10908, G replaced by A.
Protein change: p.Glu3636=; no amino-acid change (glutamic acid 3636 retained).
Molecular consequence: synonymous variant.
Genome position (GRCh38, 1-based): chr17:78,450,386, C>T on the plus strand (G>A on the coding strand, the complement: DNAH17 is on the minus strand). VCF-style: chr17-78450386-C-T. GRCh37 (hg19) VCF-style: chr17-76446468-C-T.
Identifiers: ClinVar variation 3041460 (VCV003041460.2), dbSNP rs148219346, ClinGen allele CA8800649.